The following is an entry in ClinVar:

ClinVar aggregate classification (germline): Uncertain significance (1 of 4 stars; one submission).

gnomAD v4.1: 1 of 1,614,042 alleles (0.000062%); highest among the groups gnomAD compares: South Asian, 0.0011%; no homozygotes.

Submission:

Women's Health and Genetics/Laboratory Corporation of America, LabCorp
Classification: Uncertain significance. Last evaluated: 2024-12-02. Review status: criteria provided, single submitter. Criteria: LabCorp Variant Classification Summary - May 2015. Collection method: clinical testing. Allele origin: germline.
Comment: Variant summary: HERC2 c.11785C>G (p.Gln3929Glu) results in a conservative amino acid change in the encoded protein sequence. Four of five in-silico tools predict a benign effect of the variant on protein function. The variant was absent in 251438 control chromosomes. The available data on variant occurrences in the general population are insufficient to allow any conclusion about variant significance. To our knowledge, no occurrence of c.11785C>G in individuals affected with Intellectual Developmental Disorder, Autosomal Recessive 38 and no experimental evidence demonstrating its impact on protein function have been reported. No submitters have cited clinical-significance assessments for this variant to ClinVar. Based on the evidence outlined above, the variant was classified as uncertain significance.

NM_004667.6(HERC2):c.11785C>G (p.Gln3929Glu)

Gene: HERC2 (HECT and RLD domain containing E3 ubiquitin protein ligase 2; minus strand). Cytogenetic location: 15q13.1.
Variant type: single nucleotide variant.
Coding change: c.11785C>G on transcript NM_004667.6 (MANE Select); coding-DNA position 11785, C replaced by G.
Protein change: p.Gln3929Glu; replaces glutamine 3929 with glutamic acid.
Molecular consequence: missense variant.
Genome position (GRCh38, 1-based): chr15:28,141,762, G>C on the plus strand (C>G on the coding strand, the complement: HERC2 is on the minus strand). VCF-style: chr15-28141762-G-C. GRCh37 (hg19) VCF-style: chr15-28386908-G-C.
Other names: short protein forms Q3929E.
Identifiers: ClinVar variation 3768365 (VCV003768365.1).